The following is an entry in ClinVar:

ClinVar aggregate classification (germline): Pathogenic (1 of 4 stars; one submission).

Conditions:
Phenylketonuria (PKU). Also called: FOLLING DISEASE; OLIGOPHRENIA PHENYLPYRUVICA; Phenylketonurias; Phenylketonuria (PKU). Identifiers: Orphanet 716, MedGen C0031485, MONDO:0009861, OMIM 261600. Disease mechanism: loss of function.

Submission:

Myriad Genetics, Inc.
Classification: Pathogenic for Phenylketonuria. Last evaluated: 2026-06-17. Review status: criteria provided, single submitter. Criteria: Myriad Autosomal Dominant, Autosomal Recessive and X-Linked Classification Criteria (2023). Collection method: clinical testing. Allele origin: unknown.
Comment: NM_000277.1(PAH):c.474dupG(K159Efs*5) is expected to be pathogenic in the context of phenylalanine hydroxylase deficiency. This variant is predicted to lead to an abnormal or absent protein product due to the creation of a premature termination codon in PAH, a gene where loss-of-function variants are known to be pathogenic. Please note: this variant was assessed in the context of healthy population screening.

NM_000277.3(PAH):c.474dup (p.Lys159fs)

Gene: PAH (phenylalanine hydroxylase; minus strand). Cytogenetic location: 12q23.2.
Variant type: Duplication.
Coding change: c.474dup on transcript NM_000277.3 (MANE Select); coding-DNA position 474, one base duplicated (G; older notation c.474dupG).
Protein change: p.Lys159fs; shifts the reading frame from lysine 159.
Molecular consequence: frameshift variant.
Genome position (GRCh38, 1-based): chr12:102,866,631, C duplicated on the plus strand (G on the coding strand, the reverse complement: PAH is on the minus strand); the first of 2 consecutive C bases (chr12:102,866,631-102,866,632); duplicating either gives the same sequence. VCF-style (leftmost placement, unchanged base first): chr12-102866630-T-TC. GRCh37 (hg19) VCF-style: chr12-103260408-T-TC.
Other names: c.474dup, p.Lys159fs (NM_001354304.2); short protein forms K159fs.
Identifiers: ClinVar variation 5016045 (VCV005016045.1).